The following is an entry in ClinVar:

ClinVar aggregate classification (germline): Benign/Likely benign. Review status: criteria provided, multiple submitters, no conflicts (2 of 4 stars). 11 submissions from 11 submitters: Benign (5); Likely benign (5). 1 of the submissions does not count toward it. Last evaluated 2026-02-04.

Conditions:
Bardet-Biedl syndrome (BBS). Identifiers: Orphanet 110, MedGen C0752166, MONDO:0015229.
Bardet-Biedl syndrome 10 (BBS10). Identifiers: Orphanet 110, MedGen C1859568, MONDO:0014438, OMIM 615987.

Allele frequency attached by ClinVar (database versions not stated): 1000 Genomes Project 30x 0.00656; ESP Exome Variant Server 0.00669; ExAC 0.00741; gnomAD 0.00618 and 0.00626; gnomAD exomes 0.00759 and 0.00800; 1000 Genomes Project 0.00659; TOPMed 0.00683.
gnomAD v4.1: 12,790 of 1,614,022 alleles (0.79%); highest among the groups gnomAD compares: Middle Eastern, 2.3%; 75 homozygotes.

Submissions (11):

Labcorp Genetics (formerly Invitae), Labcorp
Classification: Benign for Bardet-Biedl syndrome. Last evaluated: 2026-02-04. Review status: criteria provided, single submitter. Criteria: Invitae Variant Classification Sherloc (09022015). Collection method: clinical testing. Allele origin: germline.

Blueprint Genetics
Classification: Likely benign. Last evaluated: 2024-11-15. Review status: criteria provided, single submitter. Criteria: ACMG Guidelines, 2015. Collection method: clinical testing. Allele origin: germline.

Mayo Clinic Laboratories, Mayo Clinic
Classification: Benign. Last evaluated: 2024-01-05. Review status: criteria provided, single submitter. Criteria: ACMG Guidelines, 2015. Collection method: clinical testing. Allele origin: germline. Observed: 2 variant alleles.
Comment: BS1, BS2, BP4

Women's Health and Genetics/Laboratory Corporation of America, LabCorp
Classification: Benign. Last evaluated: 2021-09-03. Review status: criteria provided, single submitter. Criteria: LabCorp Variant Classification Summary - May 2015. Collection method: clinical testing. Allele origin: germline.
Comment: Variant summary: BBS10 c.1631A>G (p.Asn544Ser) results in a conservative amino acid change in the encoded protein sequence. Five of five in-silico tools predict a benign effect of the variant on protein function and Asn544 is not located in a known functional domain of the Bardet-Biedl syndrome 10 protein. A functional study is consistent with the finding that this variant is a functional polymorphism (Zaghloul_2010) as the mutant was unable to rescue the morphant phenotype in zebrafish. The variant allele was found at a frequency of 0.0076 in 251414 control chromosomes, predominantly at a frequency of 0.016 within the South Asian subpopulation in the gnomAD database, including 6 homozygotes. The observed variant frequency within South Asian control individuals in the gnomAD database is approximately 13 fold of the estimated maximal expected allele frequency for a pathogenic variant in BBS10 causing Bardet-Biedl Syndrome phenotype (0.0012), strongly suggesting that the variant is a benign polymorphism found primarily in populations of South Asian origin. Three ClinVar submitters (evaluation after 2014) cite the variant as benign (n=2) and likely benign (n=1). Based on the evidence outlined above, the variant was classified as benign.

Genetic Services Laboratory, University of Chicago
Classification: Likely benign. Last evaluated: 2018-05-11. Review status: criteria provided, single submitter. Criteria: ACMG Guidelines, 2015. Collection method: clinical testing. Allele origin: germline. Affected: no.

Illumina Laboratory Services, Illumina
Classification: Benign for Bardet-Biedl syndrome 10. Last evaluated: 2018-01-13. Review status: criteria provided, single submitter. Criteria: ICSL Variant Classification Criteria 13 December 2019. Collection method: clinical testing. Allele origin: germline.
Comment: This variant was observed in the ICSL laboratory as part of a predisposition screen in an ostensibly healthy population. It had not been previously curated by ICSL or reported in the Human Gene Mutation Database (HGMD: prior to June 1st, 2018), and was therefore a candidate for classification through an automated scoring system. Utilizing variant allele frequency, disease prevalence and penetrance estimates, and inheritance mode, an automated score was calculated to assess if this variant is too frequent to cause the disease. Based on the score and internal cut-off values, a variant classified as benign is not then subjected to further curation. The score for this variant resulted in a classification of benign for this disease.

Center for Pediatric Genomic Medicine, Children's Mercy Hospital and Clinics
Classification: Likely benign. Last evaluated: 2016-09-15. Review status: criteria provided, single submitter. Criteria: ACMG Guidelines, 2015. Collection method: clinical testing. Allele origin: germline.
ClinVar note: Converted during submission from Likely Benign to Likely benign.

Eurofins Ntd Llc (ga)
Classification: Benign. Last evaluated: 2014-04-25. Review status: criteria provided, single submitter. Criteria: EGL Classification Definitions 2015. Collection method: clinical testing. Allele origin: germline. Observed: 2 variant alleles, 2 heterozygotes.

Breakthrough Genomics
Classification: Likely benign. Review status: criteria provided, single submitter. Criteria: ACMG Guidelines, 2015. Collection method: not provided. Allele origin: germline. Inheritance: Autosomal recessive inheritance. Affected: yes.

PreventionGenetics, part of Exact Sciences
Classification: Likely benign. Review status: criteria provided, single submitter. Criteria: ACMG Guidelines, 2015. Collection method: clinical testing. Allele origin: germline.

Natera, Inc.
Classification: Benign for Bardet-Biedl syndrome type 10. Last evaluated: 2019-12-09. Review status: no assertion criteria provided. Collection method: clinical testing. Allele origin: germline. Not counted in ClinVar's aggregate classification.

Literature cited by the submitters: PubMed 20498079 (cited by Mayo Clinic Laboratories, Mayo Clinic and Women's Health and Genetics/Laboratory Corporation of America, LabCorp); PubMed 16582908 (cited by Women's Health and Genetics/Laboratory Corporation of America, LabCorp); PubMed 25133751 (cited by Women's Health and Genetics/Laboratory Corporation of America, LabCorp); PubMed 25966130 (cited by Women's Health and Genetics/Laboratory Corporation of America, LabCorp); PubMed 24611592 (cited by Women's Health and Genetics/Laboratory Corporation of America, LabCorp); PubMed 21157496 (cited by Women's Health and Genetics/Laboratory Corporation of America, LabCorp).

NM_024685.4(BBS10):c.1631A>G (p.Asn544Ser)

Gene: BBS10 (Bardet-Biedl syndrome 10; minus strand). Cytogenetic location: 12q21.2.
Variant type: single nucleotide variant.
Coding change: c.1631A>G on transcript NM_024685.4 (MANE Select); coding-DNA position 1631, A replaced by G.
Protein change: p.Asn544Ser; replaces asparagine 544 with serine.
Molecular consequence: missense variant.
Genome position (GRCh38, 1-based): chr12:76,346,354, T>C on the plus strand (A>G on the coding strand, the complement: BBS10 is on the minus strand). VCF-style: chr12-76346354-T-C. GRCh37 (hg19) VCF-style: chr12-76740134-T-C.
Other names: c.1631A>G, p.Asn544Ser (LRG_1255t1); short protein forms N544S.
Identifiers: ClinVar variation 166720 (VCV000166720.37), dbSNP rs34737974, ClinGen allele CA179766.